The following is an entry in ClinVar:

ClinVar aggregate classification (germline): other (1 of 4 stars; one submission).

Conditions:
spinal cord mass.

Submission:

Institute for Genomic Medicine (IGM) Clinical Laboratory, Nationwide Children's Hospital
Classification: other for spinal cord mass. Last evaluated: 2020-11-02. Review status: criteria provided, single submitter. Criteria: AMP Guidelines, 2017. Collection method: clinical testing. Allele origin: somatic. Affected: yes.
Comment: This structural rearrangement in FGFR1 (NM_023110.3) results in complete duplication of the FGFR1 tyrosine kinase domain, commonly referred to as an internal tandem duplication (ITD). This event is predicted to be in-frame, and similar events resulting in complete tyrosine kinase domain duplication have been previously described in the literature in association with upregulated signaling activation (PMIDs: 26920151, 23583981). As a member of the fibroblast growth factor receptor family, FGFR1 is activated through dimerization and transphosphorylation and influences downstream signaling of the RAS-MAPK and PI3K-AKT pathways, which serve a critical function in association with cell growth and proliferation, including tumorigenesis (PMID: 32085805). Activating somatic alterations in FGFR1 including single nucleotide variants and gene fusions have been described in a variety of cancers, including pediatric low-grade gliomas (PMID: 32289278, 30981794), whereas FGFR1 ITDs have most commonly been identified in dysembryoplastic neuroepithelial tumors (PMIDs: 23583981, 26920151, 26810070, 23817572, 27791984). Furthermore, FGFR1 activating variants have also been described in the setting of mosaic and germline disorders (OMIM: 136350). FGFR1 ITDs have not been previously documented in the setting of a stromal/vascular/lipomatous lesion such as that described in this patient. Therapeutics, including selective and non-selective tyrosine kinase inhibitors, as well as monoclonal antibodies against FGFR, are currently under investigation in multiple clinical trials for solid tumors (PMIDs: 32782571, 30367139, 28303906, 28427515).

NM_023110.3(FGFR1):c.1285-527_2455dup

Gene: FGFR1 (fibroblast growth factor receptor 1; minus strand). Cytogenetic location: 8p11.23.
Variant type: Duplication.
Coding change: c.1285-527_2455dup on transcript NM_023110.3 (MANE Select); 527 bases into the intron before coding-DNA position 1285 through coding-DNA position 2455, 5,259 bases duplicated.
Molecular consequence: splice acceptor variant, splice donor variant.
Genome position (GRCh38, 1-based): chr8:38,413,642-38,418,900, 5,259 bases duplicated. GRCh37 (hg19): chr8:38,271,160-38,276,418.
Other names: c.1006-527_2176dup (NM_001354368.2); c.1279-527_2286+276dup (NM_001354367.2); c.1279-527_2449dup (NM_015850.4, NM_001174063.2, NM_001174065.2); c.1255-527_2425dup (NM_001174064.2); c.1018-527_2188dup (NM_001174066.2, NM_023105.3); c.1273-527_2280+276dup (NM_001354369.2); c.1378-527_2548dup (NM_001174067.2); c.1012-527_2182dup (NM_023106.3); and 1 more.
Identifiers: ClinVar variation 1338761 (VCV001338761.4).